The following is an entry in ClinVar:

ClinVar aggregate classification (germline): Conflicting classifications of pathogenicity. Review status: criteria provided, conflicting classifications (1 of 4 stars). 5 submissions from 5 submitters: Uncertain significance (1); Likely benign (2). 2 of the submissions do not count toward it. Last evaluated 2026-08-01.

Conditions:
FDFT1-related disorder. Also called: FDFT1-related condition.

Allele frequency attached by ClinVar (database versions not stated): 1000 Genomes Project 0.00260; 1000 Genomes Project 30x 0.00265; gnomAD 0.00458 and 0.00465.
gnomAD v4.1: 10,399 of 1,366,542 alleles (0.76%); highest among the groups gnomAD compares: Non-Finnish European, 0.92%; 53 homozygotes.

Submissions (5):

CeGaT Center for Human Genetics Tuebingen
Classification: Likely benign. Last evaluated: 2026-08-01. Review status: criteria provided, single submitter. Criteria: CeGaT Center For Human Genetics Tuebingen Variant Classification Criteria Version 2. Collection method: clinical testing. Allele origin: germline. Affected: yes. Observed: 14 variant alleles.
Comment: FDFT1: BS2

Blueprint Genetics
Classification: Likely benign. Last evaluated: 2024-11-27. Review status: criteria provided, single submitter. Criteria: ACMG Guidelines, 2015. Collection method: clinical testing. Allele origin: germline.

Breakthrough Genomics
Classification: Uncertain significance. Review status: criteria provided, single submitter. Criteria: ACMG Guidelines, 2015. Collection method: not provided. Allele origin: germline. Inheritance: Autosomal recessive inheritance. Affected: yes.

PreventionGenetics, part of Exact Sciences
Classification: Likely benign for FDFT1-related condition. Last evaluated: 2020-02-25. Review status: no assertion criteria provided. Collection method: clinical testing. Allele origin: germline. Not counted in ClinVar's aggregate classification.
Comment: This variant is classified as likely benign based on ACMG/AMP sequence variant interpretation guidelines (Richards et al. 2015 PMID: 25741868, with internal and published modifications).

Department of Pathology and Laboratory Medicine, Sinai Health System
Classification: Uncertain significance. Review status: no assertion criteria provided. Collection method: clinical testing. Allele origin: unknown. Affected: yes. Study: The Canadian Open Genetics Repository (COGR). Not counted in ClinVar's aggregate classification.
Comment: The FDFT1 p.Lys15Asn variant was not identified in the literature nor was it identified in ClinVar. The variant was identified in dbSNP (ID: rs181750463) and in control databases in 116 of 31288 chromosomes at a frequency of 0.003707 increasing the likelihood this could be a low frequency benign variant (Genome Aggregation Database March 6, 2019, v2.1.1). The variant was observed in the following populations: European (non-Finnish) in 90 of 15378 chromosomes (freq: 0.005853), Other in 5 of 1080 chromosomes (freq: 0.00463), Latino in 2 of 848 chromosomes (freq: 0.002358), African in 16 of 8660 chromosomes (freq: 0.001848) and European (Finnish) in 3 of 3474 chromosomes (freq: 0.000864), but was not observed in the Ashkenazi Jewish, East Asian, or South Asian populations. The p.Lys15 residue is not conserved in mammals and four out of five computational analyses (PolyPhen-2, SIFT, AlignGVGD, BLOSUM, MutationTaster) do not suggest a high likelihood of impact to the protein; however, this information is not predictive enough to rule out pathogenicity. The variant occurs outside of the splicing consensus sequence and 2 of 4 in silico or computational prediction software programs (SpliceSiteFinder, MaxEntScan, NNSPLICE, GeneSplicer) predict a greater than 10% difference in splicing; this is not very predictive of pathogenicity. In summary, based on the above information the clinical significance of this variant cannot be determined with certainty at this time. This variant is classified as a variant of uncertain significance.

NM_004462.5(FDFT1):c.100-232G>C

Genes: FDFT1 (farnesyl-diphosphate farnesyltransferase 1), LOC129999907 (ATAC-STARR-seq lymphoblastoid silent region 18943; plus strand). Cytogenetic location: 8p23.1.
Variant type: single nucleotide variant.
Coding change: c.100-232G>C on transcript NM_004462.5 (MANE Select); 232 bases into the intron before coding-DNA position 100, G replaced by C.
Molecular consequence: intron variant. On other transcripts: missense variant (1).
Genome position (GRCh38, 1-based): chr8:11,808,562, G>C. VCF-style: chr8-11808562-G-C. GRCh37 (hg19) VCF-style: chr8-11666071-G-C.
Other names: c.45G>C, p.Lys15Asn (NM_001287750.2); c.100-232G>C (NM_001287742.2, NM_001287743.2); c.-93-232G>C (NM_001287744.2, NM_001287745.2, NM_001287747.2 and 2 more transcripts); c.64+5652G>C (NM_001287756.2); short protein forms K15N.
Identifiers: ClinVar variation 1049617 (VCV001049617.30), dbSNP rs181750463, ClinGen allele CA172130884.